The following is an entry in ClinVar:

ClinVar aggregate classification (germline): Conflicting classifications of pathogenicity. Review status: criteria provided, conflicting classifications (1 of 4 stars). 3 submissions from 3 submitters: Uncertain significance (1); Likely benign (2). Last evaluated 2026-09-10.

Conditions:
TTN-related disorder. Also called: TTN-related disorders; TTN-related condition; TTN-related disease.
Autosomal recessive limb-girdle muscular dystrophy type 2J (LGMDR10). Also called: Limb-girdle muscular dystrophy, type 2J; MUSCULAR DYSTROPHY, LIMB-GIRDLE, AUTOSOMAL RECESSIVE 10. Identifiers: Orphanet 140922, MedGen C1837342, MONDO:0012127, OMIM 608807.
Dilated cardiomyopathy 1G (CMD1G). Identifiers: Orphanet 154, MedGen C1858763, MONDO:0011400, OMIM 604145.

Allele frequency attached by ClinVar (database versions not stated): gnomAD 0.00001; gnomAD exomes 0.00004; ExAC 0.00006.

Submissions (3):

PreventionGenetics, part of Exact Sciences
Classification: Uncertain significance for TTN-related condition. Last evaluated: 2026-09-10. Review status: criteria provided, single submitter. Criteria: ACMG Guidelines, 2015. Collection method: clinical testing. Allele origin: germline.
Comment: The TTN c.37202-9T>C variant is predicted to interfere with splicing. This variant is predicted to alter splicing based on available splicing prediction programs (SpliceAI, Jaganathan et al. 2019. PubMed ID: 30661751). However, the use of computer prediction programs is not equivalent to functional evidence. To our knowledge, this variant has not been reported in the literature. This variant is reported in 0.0086% of alleles in individuals of European (Non-Finnish) descent in gnomAD. At this time, the clinical significance of this variant is uncertain due to the absence of conclusive functional and genetic evidence.

Labcorp Genetics (formerly Invitae), Labcorp
Classification: Likely benign for Dilated cardiomyopathy 1G; Autosomal recessive limb-girdle muscular dystrophy type 2J. Last evaluated: 2025-04-07. Review status: criteria provided, single submitter. Criteria: Invitae Variant Classification Sherloc (09022015). Collection method: clinical testing. Allele origin: germline.

Blueprint Genetics
Classification: Likely benign. Last evaluated: 2024-10-22. Review status: criteria provided, single submitter. Criteria: ACMG Guidelines, 2015. Collection method: clinical testing. Allele origin: germline.

NM_001267550.2(TTN):c.37202-9T>C

Gene: TTN (titin; minus strand). Cytogenetic location: 2q31.2.
Variant type: single nucleotide variant.
Coding change: c.37202-9T>C on transcript NM_001267550.2 (MANE Select); 9 bases into the intron before coding-DNA position 37202, T replaced by C.
Molecular consequence: intron variant.
Genome position (GRCh38, 1-based): chr2:178,661,851, A>G on the plus strand (T>C on the coding strand, the complement: TTN is on the minus strand). VCF-style: chr2-178661851-A-G. GRCh37 (hg19) VCF-style: chr2-179526578-A-G.
Other names: c.13283-19534T>C (NM_003319.4); c.13859-19534T>C (NM_133437.4); c.13658-19534T>C (NM_133432.3); c.31573+1115T>C (NM_133378.4); c.34354+1115T>C (NM_001256850.1).
Identifiers: ClinVar variation 413222 (VCV000413222.14), dbSNP rs771757256, ClinGen allele CA1997296.